The following is an entry in ClinVar:

ClinVar aggregate classification (germline): Benign/Likely benign. Review status: criteria provided, multiple submitters, no conflicts (2 of 4 stars). 4 submissions from 4 submitters: Benign (1); Likely benign (3). Last evaluated 2025-04-01.

Conditions:
Hereditary cancer-predisposing syndrome. Also called: Tumor predisposition; Hereditary neoplastic syndrome; Hereditary Cancer Syndrome; Neoplastic Syndromes, Hereditary. Identifiers: Orphanet 140162, MedGen C0027672, MeSH D009386, MONDO:0015356.
Familial cancer of breast. Also called: BREAST CANCER, FAMILIAL; hereditary breast carcinoma; Hereditary breast cancer. Identifiers: Orphanet 227535, MedGen C0346153, MONDO:0016419, OMIM 114480. Disease mechanism: loss of function.
Ataxia-telangiectasia syndrome (AT). Also called: AT, COMPLEMENTATION GROUP C; ATAXIA-TELANGIECTASIA, COMPLEMENTATION GROUP A; ATAXIA-TELANGIECTASIA, FRESNO VARIANT; Ataxia-telangiectasia; Ataxia-telangiectasia, complementation group D; Ataxia-telangiectasia, complementation group E. Identifiers: Orphanet 100, MedGen C0004135, MONDO:0008840, OMIM 208900.

Allele frequency attached by ClinVar (database versions not stated): gnomAD exomes below 0.00001.
gnomAD v4.1: 1 of 1,550,968 alleles (0.000064%); highest among the groups gnomAD compares: Non-Finnish European, 0.000089%; no homozygotes.

Submissions (4):

CeGaT Center for Human Genetics Tuebingen
Classification: Likely benign. Last evaluated: 2025-04-01. Review status: criteria provided, single submitter. Criteria: CeGaT Center For Human Genetics Tuebingen Variant Classification Criteria Version 2. Collection method: clinical testing. Allele origin: germline. Affected: yes. Observed: 1 variant allele.
Comment: ATM: BP4, BP7

Myriad Genetics, Inc.
Classification: Benign for Familial cancer of breast. Last evaluated: 2024-05-15. Review status: criteria provided, single submitter. Criteria: Myriad Autosomal Dominant, Autosomal Recessive and X-Linked Classification Criteria (2023). Collection method: clinical testing. Allele origin: unknown.
Comment: This variant is considered benign. This variant is a silent/synonymous amino acid change and it is not expected to impact splicing.

Labcorp Genetics (formerly Invitae), Labcorp
Classification: Likely benign for Ataxia-telangiectasia syndrome. Last evaluated: 2021-06-11. Review status: criteria provided, single submitter. Criteria: Invitae Variant Classification Sherloc (09022015). Collection method: clinical testing. Allele origin: germline.

Ambry Genetics
Classification: Likely benign for Hereditary cancer-predisposing syndrome. Last evaluated: 2020-08-10. Review status: criteria provided, single submitter. Criteria: Ambry Variant Classification Scheme 2023. Collection method: clinical testing. Allele origin: germline.

NM_000051.4(ATM):c.3687C>T (p.Tyr1229=)

Gene: ATM (ATM serine/threonine kinase; plus strand). Cytogenetic location: 11q22.3.
Variant type: single nucleotide variant.
Coding change: c.3687C>T on transcript NM_000051.4 (MANE Select); coding-DNA position 3687, C replaced by T.
Protein change: p.Tyr1229=; no amino-acid change (tyrosine 1229 retained).
Molecular consequence: synonymous variant.
Genome position (GRCh38, 1-based): chr11:108,282,820, C>T. VCF-style: chr11-108282820-C-T. GRCh37 (hg19) VCF-style: chr11-108153547-C-T.
Other names: c.3687C>T, p.Tyr1229= (NM_001351834.2).
Identifiers: ClinVar variation 1132597 (VCV001132597.19), dbSNP rs2082303743, ClinGen allele CA476673310.